The following is an entry in ClinVar:

NM_001367624.2(ZNF469):c.3244C>A (p.Pro1082Thr)

Genes: ZNF469 (zinc finger protein 469; plus strand), LOC130059718 (ATAC-STARR-seq lymphoblastoid silent region 7847; plus strand). Cytogenetic location: 16q24.2.
Variant type: single nucleotide variant.
Coding change: c.3244C>A on transcript NM_001367624.2 (MANE Select); coding-DNA position 3244, C replaced by A.
Protein change: p.Pro1082Thr; replaces proline 1082 with threonine.
Molecular consequence: missense variant.
Genome position (GRCh38, 1-based): chr16:88,430,714, C>A. VCF-style: chr16-88430714-C-A. GRCh37 (hg19) VCF-style: chr16-88497122-C-A.
Other names: short protein forms P1082T.
Identifiers: ClinVar variation 2788386 (VCV002788386.4), dbSNP rs1395510710, ClinGen allele CA397079115.

ClinVar aggregate classification (germline): Conflicting classifications of pathogenicity. Review status: criteria provided, conflicting classifications (1 of 4 stars). 2 submissions from 2 submitters: Uncertain significance (1); Likely benign (1). Last evaluated 2026-02-04.

Allele frequency attached by ClinVar (database versions not stated): gnomAD 0.00001.
gnomAD v4.1: 5 of 1,488,432 alleles (0.00034%); highest among the groups gnomAD compares: East Asian, 0.0053%; no homozygotes.

Submissions (2):

Women's Health and Genetics/Laboratory Corporation of America, LabCorp
Classification: Uncertain significance. Last evaluated: 2026-02-04. Review status: criteria provided, single submitter. Criteria: LabCorp Variant Classification Summary - May 2015. Collection method: clinical testing. Allele origin: germline.
Comment: Variant summary: ZNF469 c.3244C>A (p.Pro1082Thr) results in a non-conservative amino acid change in the encoded protein sequence. Algorithms developed to predict the effect of missense changes on protein structure and function are either unavailable or do not agree on the potential impact of this missense change. The frequency data for this variant in gnomAD is considered unreliable, as metrics indicate poor data quality at this position. To our knowledge, no occurrence of c.3244C>A in individuals affected with ZNF469-related conditions and no experimental evidence demonstrating its impact on protein function have been reported. ClinVar contains an entry for this variant (Variation ID: 2788386). Based on the evidence outlined above, the variant was classified as uncertain significance.

Labcorp Genetics (formerly Invitae), Labcorp
Classification: Likely benign. Last evaluated: 2023-10-15. Review status: criteria provided, single submitter. Criteria: Invitae Variant Classification Sherloc (09022015). Collection method: clinical testing. Allele origin: germline.